The following is an entry in ClinVar:

ClinVar aggregate classification (germline): Likely benign (1 of 4 stars; one submission).

Conditions:
Familial isolated deficiency of vitamin E (AVED). Also called: ATAXIA, FRIEDREICH-LIKE, WITH SELECTIVE VITAMIN E DEFICIENCY; Ataxia with isolated vitamin E deficiency. Identifiers: Orphanet 96, MedGen C1848533, MONDO:0010188, OMIM 277460.

Allele frequency attached by ClinVar (database versions not stated): gnomAD below 0.00001 and 0.00018; TOPMed 0.00004; 1000 Genomes Project 0.00180; 1000 Genomes Project 30x 0.00219.

Submission:

Illumina Laboratory Services, Illumina
Classification: Likely benign for Familial isolated deficiency of vitamin E. Last evaluated: 2018-01-13. Review status: criteria provided, single submitter. Criteria: ICSL Variant Classification Criteria 13 December 2019. Collection method: clinical testing. Allele origin: germline.
Comment: This variant was observed in the ICSL laboratory as part of a predisposition screen in an ostensibly healthy population. It had not been previously curated by ICSL or reported in the Human Gene Mutation Database (HGMD: prior to June 1st, 2018), and was therefore a candidate for classification through an automated scoring system. Utilizing variant allele frequency, disease prevalence and penetrance estimates, and inheritance mode, an automated score was calculated to assess if this variant is too frequent to cause the disease. Based on the score and internal cut-off values, a variant classified as likely benign is not then subjected to further curation. The score for this variant resulted in a classification of likely benign for this disease.

NM_000370.3(TTPA):c.*932G>A

Gene: TTPA (alpha tocopherol transfer protein; minus strand). Cytogenetic location: 8q12.3.
Variant type: single nucleotide variant.
Coding change: c.*932G>A on transcript NM_000370.3 (MANE Select); 932 bases downstream of the stop codon, G replaced by A.
Molecular consequence: 3 prime UTR variant.
Genome position (GRCh38, 1-based): chr8:63,060,320, C>T on the plus strand (G>A on the coding strand, the complement: TTPA is on the minus strand). VCF-style: chr8-63060320-C-T. GRCh37 (hg19) VCF-style: chr8-63972879-C-T.
Identifiers: ClinVar variation 363545 (VCV000363545.5), dbSNP rs547975805, ClinGen allele CA10631408.